The following is an entry in ClinVar:

NM_006015.6(ARID1A):c.326C>G (p.Pro109Arg)

Gene: ARID1A (AT-rich interaction domain 1A; plus strand). Cytogenetic location: 1p36.11.
Variant type: single nucleotide variant.
Coding change: c.326C>G on transcript NM_006015.6 (MANE Select); coding-DNA position 326, C replaced by G.
Protein change: p.Pro109Arg; replaces proline 109 with arginine.
Molecular consequence: missense variant.
Genome position (GRCh38, 1-based): chr1:26,696,729, C>G. VCF-style: chr1-26696729-C-G. GRCh37 (hg19) VCF-style: chr1-27023220-C-G.
Other names: c.326C>G, p.Pro109Arg (NM_139135.4); short protein forms P109R.
Identifiers: ClinVar variation 1028993 (VCV001028993.1), dbSNP rs1167372383, ClinGen allele CA339264881.

ClinVar aggregate classification (germline): Uncertain significance (1 of 4 stars; one submission).

Conditions:
Intellectual disability, autosomal dominant 14 (CSS2). Also called: COFFIN-SIRIS SYNDROME 2. Identifiers: Orphanet 1465, MedGen C3553247, MONDO:0013819, OMIM 614607.

Allele frequency attached by ClinVar (database versions not stated): gnomAD 0.00001; TOPMed 0.00001.
gnomAD v4.1: 5 of 1,376,032 alleles (0.00036%); highest among the groups gnomAD compares: Non-Finnish European, 0.00038%; no homozygotes.

Submission:

Baylor Genetics
Classification: Uncertain significance for Intellectual disability, autosomal dominant 14. Last evaluated: 2019-06-06. Review status: criteria provided, single submitter. Criteria: ACMG Guidelines, 2015. Collection method: clinical testing. Allele origin: unknown. Affected: yes.
Comment: This variant was determined to be of uncertain significance according to ACMG Guidelines, 2015 [PMID:25741868].